The following is an entry in ClinVar:

ClinVar aggregate classification (germline): Uncertain significance (1 of 4 stars; one submission).

Conditions:
LAMA2-related muscular dystrophy (LAMA2-RD). Also called: Laminin alpha 2-related dystrophy. Identifiers: MedGen C5679788, MONDO:0100228.

gnomAD v4.1: 12 of 1,589,064 alleles (0.00076%); highest among the groups gnomAD compares: Non-Finnish European, 0.00094%; no homozygotes.

Submission:

Labcorp Genetics (formerly Invitae), Labcorp
Classification: Uncertain significance for LAMA2-related muscular dystrophy. Last evaluated: 2023-11-27. Review status: criteria provided, single submitter. Criteria: Invitae Variant Classification Sherloc (09022015). Collection method: clinical testing. Allele origin: germline.
Comment: This sequence change replaces glycine, which is neutral and non-polar, with arginine, which is basic and polar, at codon 18 of the LAMA2 protein (p.Gly18Arg). The frequency data for this variant in the population databases is considered unreliable, as metrics indicate poor data quality at this position in the gnomAD database. This variant has not been reported in the literature in individuals affected with LAMA2-related conditions. ClinVar contains an entry for this variant (Variation ID: 2197064). Advanced modeling of protein sequence and biophysical properties (such as structural, functional, and spatial information, amino acid conservation, physicochemical variation, residue mobility, and thermodynamic stability) performed at Invitae indicates that this missense variant is not expected to disrupt LAMA2 protein function with a negative predictive value of 95%. In summary, the available evidence is currently insufficient to determine the role of this variant in disease. Therefore, it has been classified as a Variant of Uncertain Significance.

NM_000426.4(LAMA2):c.52G>C (p.Gly18Arg)

Gene: LAMA2 (laminin subunit alpha 2; plus strand). Cytogenetic location: 6q22.33.
Variant type: single nucleotide variant.
Coding change: c.52G>C on transcript NM_000426.4 (MANE Select); coding-DNA position 52, G replaced by C.
Protein change: p.Gly18Arg; replaces glycine 18 with arginine.
Molecular consequence: missense variant.
Genome position (GRCh38, 1-based): chr6:128,883,297, G>C. VCF-style: chr6-128883297-G-C. GRCh37 (hg19) VCF-style: chr6-129204442-G-C.
Other names: c.52G>C, p.Gly18Arg (NM_001079823.2); short protein forms G18R.
Identifiers: ClinVar variation 2197064 (VCV002197064.2), dbSNP rs747860244, ClinGen allele CA365828249.